The following is an entry in ClinVar:

ClinVar aggregate classification (germline): Benign/Likely benign. Review status: criteria provided, multiple submitters, no conflicts (2 of 4 stars). 4 submissions from 4 submitters: Benign (2); Likely benign (1). 1 of the submissions does not count toward it. Last evaluated 2026-04-01.

Conditions:
ANXA11-related disorder. Also called: ANXA11-related condition.

Allele frequency attached by ClinVar (database versions not stated): gnomAD exomes 0.00077; ExAC 0.00101; gnomAD 0.00299 and 0.00324; ESP Exome Variant Server 0.00323; TOPMed 0.00325; 1000 Genomes Project 30x 0.00328; 1000 Genomes Project 0.00339.

Submissions (6):

CeGaT Center for Human Genetics Tuebingen
Classification: Likely benign. Last evaluated: 2026-04-01. Review status: criteria provided, single submitter. Criteria: CeGaT Center For Human Genetics Tuebingen Variant Classification Criteria Version 2. Collection method: clinical testing. Allele origin: germline. Affected: yes. Observed: 1 variant allele.
Comment: ANXA11: BP4, BS1

Labcorp Genetics (formerly Invitae), Labcorp
Classification: Benign. Last evaluated: 2025-12-31. Review status: criteria provided, single submitter. Criteria: Invitae Variant Classification Sherloc (09022015). Collection method: clinical testing. Allele origin: germline.

Breakthrough Genomics
Classification: Benign. Review status: criteria provided, single submitter. Criteria: ACMG Guidelines, 2015. Collection method: not provided. Allele origin: germline. Inheritance: Autosomal dominant inheritance. Affected: yes.

PreventionGenetics, part of Exact Sciences
Classification: Benign for ANXA11-related condition. Last evaluated: 2019-10-28. Review status: no assertion criteria provided. Collection method: clinical testing. Allele origin: germline. Not counted in ClinVar's aggregate classification.
Comment: This variant is classified as benign based on ACMG/AMP sequence variant interpretation guidelines (Richards et al. 2015 PMID: 25741868, with internal and published modifications).

Dr. Peter K. Rogan Lab, Western University
No classification provided (evidence only). Condition: Lung cancer. Review status: no classification provided. Collection method: in vitro. Allele origin: not applicable. Functional consequence: retained intron. Not counted in ClinVar's aggregate classification.

Dr. Peter K. Rogan Lab, Western University
No classification provided (evidence only). Condition: Sarcoma. Review status: no classification provided. Collection method: in vitro. Allele origin: not applicable. Functional consequence: retained intron. Not counted in ClinVar's aggregate classification.

NM_145868.2(ANXA11):c.1087-8C>G

Gene: ANXA11 (annexin A11; minus strand). Cytogenetic location: 10q22.3.
Variant type: single nucleotide variant.
Coding change: c.1087-8C>G on transcript NM_145868.2 (MANE Select); 8 bases into the intron before coding-DNA position 1087, C replaced by G.
Molecular consequence: intron variant.
Genome position (GRCh38, 1-based): chr10:80,162,036, G>C on the plus strand (C>G on the coding strand, the complement: ANXA11 is on the minus strand). VCF-style: chr10-80162036-G-C. GRCh37 (hg19) VCF-style: chr10-81921792-G-C.
Other names: c.1087-8C>G (NM_001278407.2, NM_001157.3, NM_145869.2 and 2 more transcripts); c.988-8C>G (NM_001278409.2).
Identifiers: ClinVar variation 1635568 (VCV001635568.14), dbSNP rs76666369, ClinGen allele CA5575924.